The following is an entry in ClinVar:

NM_001004356.3(FGFRL1):c.680C>T (p.Ala227Val)

Gene: FGFRL1 (fibroblast growth factor receptor like 1; plus strand). Cytogenetic location: 4p16.3.
Variant type: single nucleotide variant.
Coding change: c.680C>T on transcript NM_001004356.3 (MANE Select); coding-DNA position 680, C replaced by T.
Protein change: p.Ala227Val; replaces alanine 227 with valine.
Molecular consequence: missense variant.
Genome position (GRCh38, 1-based): chr4:1,024,063, C>T. VCF-style: chr4-1024063-C-T. GRCh37 (hg19) VCF-style: chr4-1017851-C-T.
Other names: c.680C>T, p.Ala227Val (NM_001004358.1, NM_001370296.1, NM_021923.3); short protein forms A227V.
Identifiers: ClinVar variation 2366244 (VCV002366244.5), dbSNP rs773213801, ClinGen allele CA2802797.

ClinVar aggregate classification (germline): Uncertain significance. Review status: criteria provided, multiple submitters, no conflicts (2 of 4 stars). 2 submissions from 2 submitters: Uncertain significance (2). Last evaluated 2024-04-02.

Allele frequency attached by ClinVar (database versions not stated): gnomAD 0.00002; gnomAD exomes 0.00002; TOPMed 0.00002; ExAC 0.00007.
gnomAD v4.1: 38 of 1,600,992 alleles (0.0024%); highest among the groups gnomAD compares: South Asian, 0.014%; no homozygotes.

Submissions (2):

Labcorp Genetics (formerly Invitae), Labcorp
Classification: Uncertain significance. Last evaluated: 2024-04-02. Review status: criteria provided, single submitter. Criteria: Invitae Variant Classification Sherloc (09022015). Collection method: clinical testing. Allele origin: germline.
Comment: This sequence change replaces alanine, which is neutral and non-polar, with valine, which is neutral and non-polar, at codon 227 of the FGFRL1 protein (p.Ala227Val). This variant is present in population databases (rs773213801, gnomAD 0.02%). This variant has not been reported in the literature in individuals affected with FGFRL1-related conditions. ClinVar contains an entry for this variant (Variation ID: 2366244). Algorithms developed to predict the effect of missense changes on protein structure and function output the following: SIFT: "Not Available"; PolyPhen-2: "Benign"; Align-GVGD: "Not Available". The valine amino acid residue is found in multiple mammalian species, which suggests that this missense change does not adversely affect protein function. In summary, the available evidence is currently insufficient to determine the role of this variant in disease. Therefore, it has been classified as a Variant of Uncertain Significance.

Ambry Genetics
Classification: Uncertain significance. Last evaluated: 2021-11-15. Review status: criteria provided, single submitter. Criteria: Ambry Variant Classification Scheme 2023. Collection method: clinical testing. Allele origin: germline.